The following is an entry in ClinVar:

NM_004104.5(FASN):c.4398_4400inv (p.Asn1467Ser)

Gene: FASN (fatty acid synthase; minus strand). Cytogenetic location: 17q25.3.
Variant type: Inversion.
Coding change: c.4398_4400inv on transcript NM_004104.5 (MANE Select).
Protein change: p.Asn1467Ser; replaces asparagine 1467 with serine.
Molecular consequence: missense variant.
Genome position: GRCh38 VCF-style: chr17-82085044-TTC-GAA. GRCh37 (hg19) VCF-style: chr17-80042920-TTC-GAA.
Other names: short protein forms N1467S.
Identifiers: ClinVar variation 969862 (VCV000969862.8), ClinGen allele CA1139665934.

ClinVar aggregate classification (germline): Uncertain significance (1 of 4 stars; one submission).

Conditions:
Epileptic encephalopathy. Identifiers: MedGen C0543888, HP:0200134.

Submission:

Labcorp Genetics (formerly Invitae), Labcorp
Classification: Uncertain significance for Epileptic encephalopathy. Last evaluated: 2024-02-17. Review status: criteria provided, single submitter. Criteria: Invitae Variant Classification Sherloc (09022015). Collection method: clinical testing. Allele origin: germline.
Comment: This sequence change replaces asparagine, which is neutral and polar, with serine, which is neutral and polar, at codon 1467 of the FASN protein (p.Asn1467Ser). Information on the frequency of this variant in the gnomAD database is not available, as this variant may be reported differently in the database. This variant has not been reported in the literature in individuals affected with FASN-related conditions. ClinVar contains an entry for this variant (Variation ID: 969862). Experimental studies and prediction algorithms are not available or were not evaluated, and the functional significance of this variant is currently unknown. In summary, the available evidence is currently insufficient to determine the role of this variant in disease. Therefore, it has been classified as a Variant of Uncertain Significance.